The following is an entry in ClinVar:

ClinVar aggregate classification (germline): Likely benign (0 of 4 stars; one submission).

Conditions:
NRTN-related disorder. Also called: NRTN-related condition.

Allele frequency attached by ClinVar (database versions not stated): gnomAD 0.00001; TOPMed 0.00001.
gnomAD v4.1: 11 of 1,515,026 alleles (0.00073%); highest among the groups gnomAD compares: East Asian, 0.0053%; no homozygotes.

Submission:

PreventionGenetics, part of Exact Sciences
Classification: Likely benign for NRTN-related condition. Last evaluated: 2019-03-25. Review status: no assertion criteria provided. Collection method: clinical testing. Allele origin: germline.
Comment: This variant is classified as likely benign based on ACMG/AMP sequence variant interpretation guidelines (Richards et al. 2015 PMID: 25741868, with internal and published modifications).

NM_004558.5(NRTN):c.555G>A (p.Thr185=)

Gene: NRTN (neurturin; plus strand). Cytogenetic location: 19p13.3.
Variant type: single nucleotide variant.
Coding change: c.555G>A on transcript NM_004558.5 (MANE Select); coding-DNA position 555, G replaced by A.
Protein change: p.Thr185=; no amino-acid change (threonine 185 retained).
Molecular consequence: synonymous variant.
Genome position (GRCh38, 1-based): chr19:5,828,134, G>A. VCF-style: chr19-5828134-G-A. GRCh37 (hg19) VCF-style: chr19-5828145-G-A.
Identifiers: ClinVar variation 3046973 (VCV003046973.2), dbSNP rs922519870, ClinGen allele CA304693668.